The following is an entry in ClinVar:

NM_000550.3(TYRP1):c.1276C>T (p.Pro426Ser)

Genes: LURAP1L-AS1 (LURAP1L antisense RNA 1; minus strand), TYRP1 (tyrosinase related protein 1; plus strand). Cytogenetic location: 9p23.
Variant type: single nucleotide variant.
Coding change: c.1276C>T on transcript NM_000550.3 (MANE Select); coding-DNA position 1276, C replaced by T.
Protein change: p.Pro426Ser; replaces proline 426 with serine.
Molecular consequence: missense variant.
Genome position (GRCh38, 1-based): chr9:12,708,011, C>T. VCF-style: chr9-12708011-C-T. GRCh37 (hg19) VCF-style: chr9-12708011-C-T.
Other names: short protein forms P426S.
Identifiers: ClinVar variation 1373539 (VCV001373539.6), dbSNP rs1273754617, ClinGen allele CA372943711.

ClinVar aggregate classification (germline): Uncertain significance (1 of 4 stars; one submission).

Allele frequency attached by ClinVar (database versions not stated): gnomAD 0.00001; TOPMed 0.00002.

Submission:

Labcorp Genetics (formerly Invitae), Labcorp
Classification: Uncertain significance. Last evaluated: 2023-09-25. Review status: criteria provided, single submitter. Criteria: Invitae Variant Classification Sherloc (09022015). Collection method: clinical testing. Allele origin: germline.
Comment: In summary, the available evidence is currently insufficient to determine the role of this variant in disease. Therefore, it has been classified as a Variant of Uncertain Significance. Advanced modeling of protein sequence and biophysical properties (such as structural, functional, and spatial information, amino acid conservation, physicochemical variation, residue mobility, and thermodynamic stability) performed at Invitae indicates that this missense variant is not expected to disrupt TYRP1 protein function. ClinVar contains an entry for this variant (Variation ID: 1373539). This missense change has been observed in individual(s) with clinical features of oculocutaneous albinism (Invitae). In at least one individual the data is consistent with being in trans (on the opposite chromosome) from a pathogenic variant. This variant is not present in population databases (gnomAD no frequency). This sequence change replaces proline, which is neutral and non-polar, with serine, which is neutral and polar, at codon 426 of the TYRP1 protein (p.Pro426Ser).